The following is an entry in ClinVar:

NM_001375524.1(TRRAP):c.5722G>A (p.Val1908Ile)

Gene: TRRAP (transformation/transcription domain associated protein; plus strand). Cytogenetic location: 7q22.1.
Variant type: single nucleotide variant.
Coding change: c.5722G>A on transcript NM_001375524.1 (MANE Select); coding-DNA position 5722, G replaced by A.
Protein change: p.Val1908Ile; replaces valine 1908 with isoleucine.
Molecular consequence: missense variant.
Genome position (GRCh38, 1-based): chr7:98,953,425, G>A. VCF-style: chr7-98953425-G-A. GRCh37 (hg19) VCF-style: chr7-98551048-G-A.
Other names: c.5701G>A, p.Val1901Ile (NM_001244580.2); c.5647G>A, p.Val1883Ile (NM_003496.4); short protein forms V1883I, V1901I, V1908I.
Identifiers: ClinVar variation 2504138 (VCV002504138.2), dbSNP rs2484868223, ClinGen allele CA368321212.
Genomic context (GRCh38, chr7:98,953,425, plus strand): 5'-TACAGCGGACACTTGCTCCTGGCGCACATTATCGCCAAATTCGCCATACACAAGAAGATC[G>A]TCCTGCAGGTATTTTGCAAGCCCCTCCTGTCCGCCGACATCAGCGTGAATCTCACATGGT-3'
Protein context (NP_001362453.1, residues 1898-1918): IAKFAIHKKI[Val1908Ile]LQVFHSLLKA

ClinVar aggregate classification (germline): Likely pathogenic (1 of 4 stars; one submission).

Submission:

Centre of Medical Genetics, University Hospital Muenster
Classification: Likely pathogenic. Last evaluated: 2023-03-27. Review status: criteria provided, single submitter. Criteria: ACMG Guidelines, 2015. Collection method: clinical testing. Allele origin: de novo. Affected: yes. Observed: 1 variant allele, 1 heterozygote.
Comment: ACMG categories: PS2,PM1,PM2,PP3

Literature cited by the submitters: PubMed 30827496.